The following is an entry in ClinVar:

ClinVar aggregate classification (germline): Uncertain significance (1 of 4 stars; one submission).

gnomAD v4.1: 4 of 1,614,024 alleles (0.00025%); highest among the groups gnomAD compares: Non-Finnish European, 0.00034%; no homozygotes.

Submission:

Labcorp Genetics (formerly Invitae), Labcorp
Classification: Uncertain significance. Last evaluated: 2021-09-01. Review status: criteria provided, single submitter. Criteria: Invitae Variant Classification Sherloc (09022015). Collection method: clinical testing. Allele origin: germline.
Comment: This sequence change replaces threonine with isoleucine at codon 956 of the USH2A protein (p.Thr956Ile). The threonine residue is weakly conserved and there is a moderate physicochemical difference between threonine and isoleucine. This variant is not present in population databases (ExAC no frequency). This variant has not been reported in the literature in individuals affected with USH2A-related conditions. Algorithms developed to predict the effect of missense changes on protein structure and function (SIFT, PolyPhen-2, Align-GVGD) all suggest that this variant is likely to be tolerated. In summary, the available evidence is currently insufficient to determine the role of this variant in disease. Therefore, it has been classified as a Variant of Uncertain Significance.

NM_206933.4(USH2A):c.2867C>T (p.Thr956Ile)

Genes: USH2A (usherin; minus strand), USH2A-AS1 (USH2A antisense RNA 1; plus strand). Cytogenetic location: 1q41.
Variant type: single nucleotide variant.
Coding change: c.2867C>T on transcript NM_206933.4 (MANE Select); coding-DNA position 2867, C replaced by T.
Protein change: p.Thr956Ile; replaces threonine 956 with isoleucine.
Molecular consequence: missense variant.
Genome position (GRCh38, 1-based): chr1:216,232,079, G>A on the plus strand (C>T on the coding strand, the complement: USH2A is on the minus strand). VCF-style: chr1-216232079-G-A. GRCh37 (hg19) VCF-style: chr1-216405421-G-A.
Other names: c.2867C>T, p.Thr956Ile (NM_007123.6); short protein forms T956I.
Identifiers: ClinVar variation 851495 (VCV000851495.7), dbSNP rs2035707966, ClinGen allele CA344863330.